The following is an entry in ClinVar:

NM_173500.4(TTBK2):c.2477C>T (p.Thr826Ile)

Gene: TTBK2 (tau tubulin kinase 2; minus strand). Cytogenetic location: 15q15.2.
Variant type: single nucleotide variant.
Coding change: c.2477C>T on transcript NM_173500.4 (MANE Select); coding-DNA position 2477, C replaced by T.
Protein change: p.Thr826Ile; replaces threonine 826 with isoleucine.
Molecular consequence: missense variant.
Genome position (GRCh38, 1-based): chr15:42,752,769, G>A on the plus strand (C>T on the coding strand, the complement: TTBK2 is on the minus strand). VCF-style: chr15-42752769-G-A. GRCh37 (hg19) VCF-style: chr15-43044967-G-A.
Other names: short protein forms T826I.
Identifiers: ClinVar variation 3373418 (VCV003373418.1).
Genomic context (GRCh38, chr15:42,752,769, plus strand): 5'-AGCTTCATTATCTCATTATTTTTGTCTTGATTTGGCACCACACTAAAAGTCTGTGTTTTT[G>A]TCACATCAAGAGGTTCAGTAGTAGCTGAGTGATCCTTTTCCACAATTACCAAATCTCCTG-3'
Protein context (NP_775771.3, residues 816-836): HSATTEPLDV[Thr826Ile]KTQTFSVVPN

ClinVar aggregate classification (germline): Uncertain significance (1 of 4 stars; one submission).

Submission:

GeneDx
Classification: Uncertain significance. Last evaluated: 2024-05-03. Review status: criteria provided, single submitter. Criteria: GeneDx Variant Classification Process June 2021. Collection method: clinical testing. Allele origin: germline. Affected: yes.
Comment: Not observed at significant frequency in large population cohorts (gnomAD); In silico analysis indicates that this missense variant does not alter protein structure/function; Has not been previously published as pathogenic or benign to our knowledge